The following is an entry in ClinVar:

ClinVar aggregate classification (germline): Conflicting classifications of pathogenicity. Review status: criteria provided, conflicting classifications (1 of 4 stars). 2 submissions from 2 submitters: Pathogenic (1); Uncertain significance (1). Last evaluated 2025-06-22.

Submissions (2):

Labcorp Genetics (formerly Invitae), Labcorp
Classification: Pathogenic. Last evaluated: 2025-06-22. Review status: criteria provided, single submitter. Criteria: Invitae Variant Classification Sherloc (09022015). Collection method: clinical testing. Allele origin: germline.
Comment: This sequence change creates a premature translational stop signal (p.Leu6Trpfs*45) in the USB1 gene. It is expected to result in an absent or disrupted protein product. Loss-of-function variants in USB1 are known to be pathogenic (PMID: 20817924, 25044170). This variant is present in population databases (rs781151070, gnomAD 0.04%). This variant has not been reported in the literature in individuals affected with USB1-related conditions. ClinVar contains an entry for this variant (Variation ID: 1453838). For these reasons, this variant has been classified as Pathogenic.

GeneDx
Classification: Uncertain significance. Last evaluated: 2024-06-30. Review status: criteria provided, single submitter. Criteria: GeneDx Variant Classification Process June 2021. Collection method: clinical testing. Allele origin: germline. Affected: yes.
Comment: Frameshift variant predicted to result in protein truncation or nonsense mediated decay in a gene for which loss of function is a known mechanism of disease; Has not been previously published as pathogenic or benign to our knowledge

Literature cited by the submitters: PubMed 20817924 (cited by Labcorp Genetics (formerly Invitae), Labcorp); PubMed 25044170 (cited by Labcorp Genetics (formerly Invitae), Labcorp).

NM_024598.4(USB1):c.16del (p.Leu6fs)

Genes: USB1 (U6 snRNA biogenesis phosphodiesterase 1; plus strand), LOC112469011 (Sharpr-MPRA regulatory region 3942; plus strand). Cytogenetic location: 16q21.
Variant type: Deletion.
Coding change: c.16del on transcript NM_024598.4 (MANE Select); coding-DNA position 16, one base deleted (C; older notation c.16delC).
Protein change: p.Leu6fs; shifts the reading frame from leucine 6.
Molecular consequence: frameshift variant. On other transcripts: intron variant (1).
Genome position (GRCh38, 1-based): chr16:58,001,499, C deleted; the last of 4 consecutive C bases (chr16:58,001,496-58,001,499); deleting any one gives the same sequence. VCF-style (leftmost placement, unchanged base first): chr16-58001495-GC-G. GRCh37 (hg19) VCF-style: chr16-58035399-GC-G.
Other names: c.16del, p.Leu6fs (NM_001195302.2, NM_001204911.2, NM_001330569.2); c.-55-980del (NM_001330568.2); c.16del (NM_024598.3); short protein forms L6fs.
Identifiers: ClinVar variation 1453838 (VCV001453838.7), dbSNP rs781151070, ClinGen allele CA8084766.